The following is an entry in ClinVar:

NM_000443.4(ABCB4):c.1459G>T (p.Ala487Ser)

Gene: ABCB4 (ATP binding cassette subfamily B member 4; minus strand). Cytogenetic location: 7q21.12.
Variant type: single nucleotide variant.
Coding change: c.1459G>T on transcript NM_000443.4 (MANE Select); coding-DNA position 1459, G replaced by T.
Protein change: p.Ala487Ser; replaces alanine 487 with serine.
Molecular consequence: missense variant.
Genome position (GRCh38, 1-based): chr7:87,440,300, C>A on the plus strand (G>T on the coding strand, the complement: ABCB4 is on the minus strand). VCF-style: chr7-87440300-C-A. GRCh37 (hg19) VCF-style: chr7-87069616-C-A.
Other names: c.1459G>T, p.Ala487Ser (NM_018849.3, NM_018850.3); short protein forms A487S.
Identifiers: ClinVar variation 5041857 (VCV005041857.1).

ClinVar aggregate classification (germline): Uncertain significance (1 of 4 stars; one submission).

Submission:

CeGaT Center for Human Genetics Tuebingen
Classification: Uncertain significance. Last evaluated: 2026-09-01. Review status: criteria provided, single submitter. Criteria: CeGaT Center For Human Genetics Tuebingen Variant Classification Criteria Version 2. Collection method: clinical testing. Allele origin: germline. Affected: yes. Observed: 1 variant allele.
Comment: ABCB4: PM2